The following is an entry in ClinVar:

NM_016938.5(EFEMP2):c.111+4_111+12del

Gene: EFEMP2 (EGF-like fibulin extracellular matrix protein 2; minus strand). Cytogenetic location: 11q13.1.
Variant type: Deletion.
Coding change: c.111+4_111+12del on transcript NM_016938.5 (MANE Select); bases 4 to 12 of the intron after coding-DNA position 111, 9 bases deleted (GGGACAGTG; older notation c.111+4_111+12delGGGACAGTG).
Molecular consequence: splice donor variant.
Genome position (GRCh38, 1-based): chr11:65,872,232-65,872,240, CACTGTCCC deleted on the plus strand (GGGACAGTG on the coding strand, the reverse complement: EFEMP2 is on the minus strand); deleting any 9 consecutive bases within chr11:65,872,232-65,872,243 gives the same sequence; the c. name uses the placement nearest the transcript's 3' end. VCF-style (leftmost placement, unchanged base first): chr11-65872231-TCACTGTCCC-T. GRCh37 (hg19) VCF-style: chr11-65639702-TCACTGTCCC-T.
Identifiers: ClinVar variation 1434690 (VCV001434690.6), dbSNP rs2134753586, ClinGen allele CA2573147401.

ClinVar aggregate classification (germline): Uncertain significance (1 of 4 stars; one submission).

Conditions:
Cutis laxa, autosomal recessive, type 1B (ARCL1B). Also called: EFEMP2-Related Cutis Laxa; CUTIS LAXA, AUTOSOMAL RECESSIVE, TYPE IB. Identifiers: Orphanet 90349, MedGen C3280798, MONDO:0013754, OMIM 614437. Disease mechanism: loss of function.

Submission:

Labcorp Genetics (formerly Invitae), Labcorp
Classification: Uncertain significance for Cutis laxa, autosomal recessive, type 1B. Last evaluated: 2021-06-28. Review status: criteria provided, single submitter. Criteria: Invitae Variant Classification Sherloc (09022015). Collection method: clinical testing. Allele origin: germline.
Comment: This sequence change falls in intron 2 of the EFEMP2 gene. It does not directly change the encoded amino acid sequence of the EFEMP2 protein. It affects a nucleotide within the consensus splice site of the intron. This variant is not present in population databases (ExAC no frequency). This variant has not been reported in the literature in individuals affected with EFEMP2-related conditions. Nucleotide substitutions within the consensus splice site are a relatively common cause of aberrant splicing (PMID: 17576681, 9536098). Algorithms developed to predict the effect of sequence changes on RNA splicing suggest that this variant may create or strengthen a splice site. In summary, the available evidence is currently insufficient to determine the role of this variant in disease. Therefore, it has been classified as a Variant of Uncertain Significance.

Literature cited by the submitters: PubMed 17576681; PubMed 9536098.